The following is an entry in ClinVar:

NM_001306080.2(LMO7):c.3979C>T (p.Arg1327Cys)

Gene: LMO7 (LIM domain 7; plus strand). Cytogenetic location: 13q22.2.
Variant type: single nucleotide variant.
Coding change: c.3979C>T on transcript NM_001306080.2 (MANE Select); coding-DNA position 3979, C replaced by T.
Protein change: p.Arg1327Cys; replaces arginine 1327 with cysteine.
Molecular consequence: missense variant.
Genome position (GRCh38, 1-based): chr13:75,841,931, C>T. VCF-style: chr13-75841931-C-T. GRCh37 (hg19) VCF-style: chr13-76416067-C-T.
Other names: c.3280C>T, p.Arg1094Cys (NM_001330583.1, NM_001366632.2, NM_015842.2); c.3853C>T, p.Arg1285Cys (NM_001366633.2); c.2998C>T, p.Arg1000Cys (NM_001366634.2, NM_001366636.2); c.3133C>T, p.Arg1045Cys (NM_005358.5); short protein forms R1000C, R1045C, R1094C, R1285C, R1327C.
Identifiers: ClinVar variation 3052176 (VCV003052176.2), dbSNP rs144089219, ClinGen allele CA7006275.

ClinVar aggregate classification (germline): Likely benign (0 of 4 stars; one submission).

Conditions:
LMO7-related disorder. Also called: LMO7-related condition.

Allele frequency attached by ClinVar (database versions not stated): TOPMed 0.00060; gnomAD 0.00073; ExAC 0.00076; gnomAD exomes 0.00112; ESP Exome Variant Server 0.00115.
gnomAD v4.1: 1,744 of 1,613,146 alleles (0.11%); highest among the groups gnomAD compares: South Asian, 0.27%; 2 homozygotes.

Submission:

PreventionGenetics, part of Exact Sciences
Classification: Likely benign for LMO7-related condition. Last evaluated: 2022-09-15. Review status: no assertion criteria provided. Collection method: clinical testing. Allele origin: germline.
Comment: This variant is classified as likely benign based on ACMG/AMP sequence variant interpretation guidelines (Richards et al. 2015 PMID: 25741868, with internal and published modifications).